The following is an entry in ClinVar:

NM_000702.4(ATP1A2):c.627T>C (p.Cys209=)

Genes: ATP1A2 (ATPase Na+/K+ transporting subunit alpha 2; plus strand), LOC126805890 (CDK7 strongly-dependent group 2 enhancer GRCh37_chr1:160093987-160095186; plus strand). Cytogenetic location: 1q23.2.
Variant type: single nucleotide variant.
Coding change: c.627T>C on transcript NM_000702.4 (MANE Select); coding-DNA position 627, T replaced by C.
Protein change: p.Cys209=; no amino-acid change (cysteine 209 retained).
Molecular consequence: synonymous variant.
Genome position (GRCh38, 1-based): chr1:160,124,427, T>C. VCF-style: chr1-160124427-T-C. GRCh37 (hg19) VCF-style: chr1-160094217-T-C.
Identifiers: ClinVar variation 293129 (VCV000293129.19), dbSNP rs139229302, ClinGen allele CA1194223.
Genomic context (GRCh38, chr1:160,124,427, plus strand): 5'-GGAGGTGAAGGGTGGAGACCGCGTCCCTGCTGACCTCCGGATCATCTCTTCTCATGGCTG[T>C]AAGGTGAGGAGGTCATACCAGAGCAAGCAGTTGAGTCTAAGGAGAAGGCTGTGTGCAGAG-3'
Protein context (NP_000693.1, residues 199-219): ADLRIISSHG[Cys209=]KVDNSSLTGE

ClinVar aggregate classification (germline): Conflicting classifications of pathogenicity. Review status: criteria provided, conflicting classifications (1 of 4 stars). 6 submissions from 5 submitters: Uncertain significance (1); Likely benign (5). Last evaluated 2025-11-12.

Conditions:
Inborn genetic diseases. Identifiers: MedGen C0950123, MeSH D030342.
Migraine, familial hemiplegic, 2. Identifiers: Orphanet 569, MedGen C1865322, MONDO:0011232, OMIM 602481.
Alternating hemiplegia of childhood 1 (AHC1). Identifiers: Orphanet 2131, MedGen C3549447, MONDO:0007087, OMIM 104290.
Familial hemiplegic migraine. Identifiers: MedGen C0338484, MONDO:0000700.
ATP1A2-related disorder. Also called: ATP1A2-related condition; ATP1A2-RELATED DISORDERS.

Allele frequency attached by ClinVar (database versions not stated): gnomAD 0.00004 and 0.00005; TOPMed 0.00006; gnomAD exomes 0.00008 and 0.00022; ExAC 0.00009; ESP Exome Variant Server 0.00015.
gnomAD v4.1: 316 of 1,606,640 alleles (0.02%); highest among the groups gnomAD compares: Non-Finnish European, 0.026%; no homozygotes.

Submissions (6):

Labcorp Genetics (formerly Invitae), Labcorp
Classification: Likely benign for Familial hemiplegic migraine. Last evaluated: 2025-11-12. Review status: criteria provided, single submitter. Criteria: Invitae Variant Classification Sherloc (09022015). Collection method: clinical testing. Allele origin: germline.

PreventionGenetics, part of Exact Sciences
Classification: Likely benign for ATP1A2-related condition. Last evaluated: 2025-07-31. Review status: criteria provided, single submitter. Criteria: ACMG Guidelines, 2015. Collection method: clinical testing. Allele origin: germline.
Comment: This variant is classified as likely benign based on ACMG/AMP sequence variant interpretation guidelines (Richards et al. 2015 PMID: 25741868, with internal and published modifications).

Ambry Genetics
Classification: Likely benign for Inborn genetic diseases. Last evaluated: 2020-03-16. Review status: criteria provided, single submitter. Criteria: Ambry Variant Classification Scheme 2023. Collection method: clinical testing. Allele origin: germline.

GeneDx
Classification: Likely benign. Last evaluated: 2019-12-31. Review status: criteria provided, single submitter. Criteria: GeneDx Variant Classification Process June 2021. Collection method: clinical testing. Allele origin: germline. Affected: yes.

Illumina Laboratory Services, Illumina
Classification: Uncertain significance for Migraine, familial hemiplegic, 2. Last evaluated: 2018-01-13. Review status: criteria provided, single submitter. Criteria: ICSL Variant Classification Criteria 13 December 2019. Collection method: clinical testing. Allele origin: germline.

Illumina Laboratory Services, Illumina
Classification: Likely benign for Alternating hemiplegia of childhood 1. Last evaluated: 2018-01-13. Review status: criteria provided, single submitter. Criteria: ICSL Variant Classification Criteria 13 December 2019. Collection method: clinical testing. Allele origin: germline.
Comment: This variant was observed in the ICSL laboratory as part of a predisposition screen in an ostensibly healthy population. It had not been previously curated by ICSL or reported in the Human Gene Mutation Database (HGMD: prior to June 1st, 2018), and was therefore a candidate for classification through an automated scoring system. Utilizing variant allele frequency, disease prevalence and penetrance estimates, and inheritance mode, an automated score was calculated to assess if this variant is too frequent to cause the disease. Based on the score and internal cut-off values, a variant classified as likely benign is not then subjected to further curation. The score for this variant resulted in a classification of likely benign for this disease.